The following is an entry in ClinVar:

ClinVar aggregate classification (germline): Uncertain significance (1 of 4 stars; one submission).

Conditions:
Hereditary cancer-predisposing syndrome. Also called: Hereditary Cancer Syndrome; Hereditary neoplastic syndrome; Tumor predisposition; Neoplastic Syndromes, Hereditary. Identifiers: Orphanet 140162, MedGen C0027672, MeSH D009386, MONDO:0015356.

Submission:

Ambry Genetics
Classification: Uncertain significance for Hereditary cancer-predisposing syndrome. Last evaluated: 2022-07-31. Review status: criteria provided, single submitter. Criteria: Ambry Variant Classification Scheme 2023. Collection method: clinical testing. Allele origin: germline.
Comment: The p.E774A variant (also known as c.2321A>C), located in coding exon 9 of the AXIN2 gene, results from an A to C substitution at nucleotide position 2321. The glutamic acid at codon 774 is replaced by alanine, an amino acid with dissimilar properties. This amino acid position is conserved. In addition, the in silico prediction for this alteration is inconclusive. Since supporting evidence is limited at this time, the clinical significance of this alteration remains unclear.

NM_004655.4(AXIN2):c.2321A>C (p.Glu774Ala)

Gene: AXIN2 (axin 2; minus strand). Cytogenetic location: 17q24.1.
Variant type: single nucleotide variant.
Coding change: c.2321A>C on transcript NM_004655.4 (MANE Select); coding-DNA position 2321, A replaced by C.
Protein change: p.Glu774Ala; replaces glutamic acid 774 with alanine.
Molecular consequence: missense variant.
Genome position (GRCh38, 1-based): chr17:65,533,996, T>G on the plus strand (A>C on the coding strand, the complement: AXIN2 is on the minus strand). VCF-style: chr17-65533996-T-G. GRCh37 (hg19) VCF-style: chr17-63530114-T-G.
Other names: c.2126A>C, p.Glu709Ala (NM_001363813.1); short protein forms E709A, E774A.
Identifiers: ClinVar variation 1789581 (VCV001789581.2), dbSNP rs2509389286, ClinGen allele CA400675506.